The following is an entry in ClinVar:

NM_001734.5(C1S):c.1929C>A (p.Asp643Glu)

Gene: C1S (complement C1s; plus strand). Cytogenetic location: 12p13.31.
Variant type: single nucleotide variant.
Coding change: c.1929C>A on transcript NM_001734.5 (MANE Select); coding-DNA position 1929, C replaced by A.
Protein change: p.Asp643Glu; replaces aspartic acid 643 with glutamic acid.
Molecular consequence: missense variant.
Genome position (GRCh38, 1-based): chr12:7,070,513, C>A. VCF-style: chr12-7070513-C-A. GRCh37 (hg19) VCF-style: chr12-7177817-C-A.
Other names: c.1428C>A, p.Asp476Glu (NM_001346850.2); c.1929C>A, p.Asp643Glu (NM_201442.4); short protein forms D476E, D643E.
Identifiers: ClinVar variation 1718973 (VCV001718973.5), dbSNP rs782542301, ClinGen allele CA383708317.

ClinVar aggregate classification (germline): Uncertain significance (1 of 4 stars; one submission).

Submission:

Labcorp Genetics (formerly Invitae), Labcorp
Classification: Uncertain significance. Last evaluated: 2022-09-07. Review status: criteria provided, single submitter. Criteria: Invitae Variant Classification Sherloc (09022015). Collection method: clinical testing. Allele origin: germline.
Comment: In summary, the available evidence is currently insufficient to determine the role of this variant in disease. Therefore, it has been classified as a Variant of Uncertain Significance. Algorithms developed to predict the effect of missense changes on protein structure and function output the following: SIFT: "Tolerated"; PolyPhen-2: "Benign"; Align-GVGD: "Class C0". The glutamic acid amino acid residue is found in multiple mammalian species, which suggests that this missense change does not adversely affect protein function. This variant has not been reported in the literature in individuals affected with C1S-related conditions. This variant is not present in population databases (gnomAD no frequency). This sequence change replaces aspartic acid, which is acidic and polar, with glutamic acid, which is acidic and polar, at codon 643 of the C1S protein (p.Asp643Glu).